The following is an entry in ClinVar:

ClinVar aggregate classification (germline): Uncertain significance (1 of 4 stars; one submission).

gnomAD v4.1: 3 of 1,614,042 alleles (0.00019%); highest among the groups gnomAD compares: Non-Finnish European, 0.00025%; no homozygotes.

Submission:

Labcorp Genetics (formerly Invitae), Labcorp
Classification: Uncertain significance. Last evaluated: 2025-04-11. Review status: criteria provided, single submitter. Criteria: Invitae Variant Classification Sherloc (09022015). Collection method: clinical testing. Allele origin: germline.
Comment: This sequence change replaces glutamine, which is neutral and polar, with glutamic acid, which is acidic and polar, at codon 174 of the TWNK protein (p.Gln174Glu). This variant is present in population databases (rs757316627, gnomAD 0.0009%). This variant has not been reported in the literature in individuals affected with TWNK-related conditions. Invitae Evidence Modeling of protein sequence and biophysical properties (such as structural, functional, and spatial information, amino acid conservation, physicochemical variation, residue mobility, and thermodynamic stability) indicates that this missense variant is not expected to disrupt TWNK protein function with a negative predictive value of 80%. In summary, the available evidence is currently insufficient to determine the role of this variant in disease. Therefore, it has been classified as a Variant of Uncertain Significance.

NM_021830.5(TWNK):c.520C>G (p.Gln174Glu)

Gene: TWNK (twinkle mtDNA helicase; plus strand). Cytogenetic location: 10q24.31.
Variant type: single nucleotide variant.
Coding change: c.520C>G on transcript NM_021830.5 (MANE Select); coding-DNA position 520, C replaced by G.
Protein change: p.Gln174Glu; replaces glutamine 174 with glutamic acid.
Molecular consequence: missense variant. On other transcripts: non-coding transcript variant (4), intron variant (3).
Genome position (GRCh38, 1-based): chr10:100,988,730, C>G. VCF-style: chr10-100988730-C-G. GRCh37 (hg19) VCF-style: chr10-102748487-C-G.
Other names: c.520C>G, p.Gln174Glu (NM_001163812.2); c.-119-914C>G (NM_001163814.2, NM_001163813.2); c.-57-976C>G (NM_001368275.1); short protein forms Q174E.
Identifiers: ClinVar variation 4764155 (VCV004764155.1).